The following is an entry in ClinVar:

NM_000719.7(CACNA1C):c.4970C>T (p.Thr1657Ile)

Genes: CACNA1C (calcium voltage-gated channel subunit alpha1 C; plus strand), CACNA1C-AS1 (CACNA1C antisense RNA 1; minus strand). Cytogenetic location: 12p13.33.
Variant type: single nucleotide variant.
Coding change: c.4970C>T on transcript NM_000719.7 (MANE Select); coding-DNA position 4970, C replaced by T.
Protein change: p.Thr1657Ile; replaces threonine 1657 with isoleucine.
Molecular consequence: missense variant. On other transcripts: non-coding transcript variant (1).
Genome position (GRCh38, 1-based): chr12:2,677,746, C>T. VCF-style: chr12-2677746-C-T. GRCh37 (hg19) VCF-style: chr12-2786912-C-T.
Other names: c.5114C>T, p.Thr1705Ile (NM_001129827.2, NM_199460.4); c.5093C>T, p.Thr1698Ile (NM_001129829.2); c.4970C>T, p.Thr1657Ile (NM_001129830.3, NM_001129840.2, NM_001129841.2 and 4 more transcripts); c.5054C>T, p.Thr1685Ile (NM_001129831.2); c.5030C>T, p.Thr1677Ile (NM_001129832.2); c.5027C>T, p.Thr1676Ile (NM_001129833.2, NM_001129834.2, NM_001129835.2); c.5021C>T, p.Thr1674Ile (NM_001129836.2); c.4994C>T, p.Thr1665Ile (NM_001129837.2, NM_001129838.2); and 3 more; short protein forms T1657I, T1646I, T1677I, T1685I, T1654I, T1665I, T1674I, T1698I.
Identifiers: ClinVar variation 4745790 (VCV004745790.1).

ClinVar aggregate classification (germline): Uncertain significance (1 of 4 stars; one submission).

Conditions:
Long QT syndrome (LQTS). Identifiers: MedGen C0023976, MeSH D008133, MONDO:0002442. Disease mechanism: loss of function. Inheritance: Various modes of inheritance.

Submission:

Labcorp Genetics (formerly Invitae), Labcorp
Classification: Uncertain significance for Long QT syndrome. Last evaluated: 2025-08-05. Review status: criteria provided, single submitter. Criteria: Invitae Variant Classification Sherloc (09022015). Collection method: clinical testing. Allele origin: germline.
Comment: This sequence change replaces threonine, which is neutral and polar, with isoleucine, which is neutral and non-polar, at codon 1657 of the CACNA1C protein (p.Thr1657Ile). This variant is not present in population databases (gnomAD no frequency). This variant has not been reported in the literature in individuals affected with CACNA1C-related conditions. Invitae Evidence Modeling of protein sequence and biophysical properties (such as structural, functional, and spatial information, amino acid conservation, physicochemical variation, residue mobility, and thermodynamic stability) has been performed for this missense variant. However, the output from this modeling did not meet the statistical confidence thresholds required to predict the impact of this variant on CACNA1C protein function. In summary, the available evidence is currently insufficient to determine the role of this variant in disease. Therefore, it has been classified as a Variant of Uncertain Significance.